The following is an entry in ClinVar:

ClinVar aggregate classification (germline): Likely benign (1 of 4 stars; one submission).

Conditions:
Cayman type cerebellar ataxia. Also called: Cayman ataxia. Identifiers: Orphanet 94122, MedGen C1832585, MONDO:0011025, OMIM 601238.

Allele frequency attached by ClinVar (database versions not stated): 1000 Genomes Project 30x 0.00125; 1000 Genomes Project 0.00160; TOPMed 0.00256; ESP Exome Variant Server 0.00301; gnomAD 0.00321 and 0.00335; gnomAD exomes 0.00361; ExAC 0.00379.
gnomAD v4.1: 7,161 of 1,613,306 alleles (0.44%); highest among the groups gnomAD compares: Non-Finnish European, 0.51%; 25 homozygotes.

Submission:

Illumina Laboratory Services, Illumina
Classification: Likely benign for Cayman type cerebellar ataxia. Last evaluated: 2018-01-12. Review status: criteria provided, single submitter. Criteria: ICSL Variant Classification Criteria 13 December 2019. Collection method: clinical testing. Allele origin: germline.
Comment: This variant was observed in the ICSL laboratory as part of a predisposition screen in an ostensibly healthy population. It had not been previously curated by ICSL or reported in the Human Gene Mutation Database (HGMD: prior to June 1st, 2018), and was therefore a candidate for classification through an automated scoring system. Utilizing variant allele frequency, disease prevalence and penetrance estimates, and inheritance mode, an automated score was calculated to assess if this variant is too frequent to cause the disease. Based on the score and internal cut-off values, a variant classified as likely benign is not then subjected to further curation. The score for this variant resulted in a classification of likely benign for this disease.

NM_033064.5(ATCAY):c.*26T>C

Gene: ATCAY (ATCAY kinesin light chain interacting caytaxin; plus strand). Cytogenetic location: 19p13.3.
Variant type: single nucleotide variant.
Coding change: c.*26T>C on transcript NM_033064.5 (MANE Select); 26 bases downstream of the stop codon, T replaced by C.
Molecular consequence: 3 prime UTR variant.
Genome position (GRCh38, 1-based): chr19:3,924,618, T>C. VCF-style: chr19-3924618-T-C. GRCh37 (hg19) VCF-style: chr19-3924616-T-C.
Identifiers: ClinVar variation 892893 (VCV000892893.4), dbSNP rs190923267, ClinGen allele CA9087500.